The following is an entry in ClinVar:

ClinVar aggregate classification (germline): Likely benign. Review status: criteria provided, multiple submitters, no conflicts (2 of 4 stars). 3 submissions from 3 submitters: Likely benign (3). Last evaluated 2024-09-21.

Conditions:
Inborn genetic diseases. Identifiers: MedGen C0950123, MeSH D030342.

Allele frequency attached by ClinVar (database versions not stated): gnomAD 0.00003; TOPMed 0.00004; ExAC 0.00007; gnomAD exomes 0.00007; ESP Exome Variant Server 0.00008.
gnomAD v4.1: 73 of 1,613,924 alleles (0.0045%); highest among the groups gnomAD compares: South Asian, 0.014%; no homozygotes.

Submissions (3):

Blueprint Genetics
Classification: Likely benign. Last evaluated: 2024-09-21. Review status: criteria provided, single submitter. Criteria: ACMG Guidelines, 2015. Collection method: clinical testing. Allele origin: germline.

CeGaT Center for Human Genetics Tuebingen
Classification: Likely benign. Last evaluated: 2023-03-01. Review status: criteria provided, single submitter. Criteria: CeGaT Center For Human Genetics Tuebingen Variant Classification Criteria Version 2. Collection method: clinical testing. Allele origin: germline. Affected: yes. Observed: 1 variant allele.
Comment: ARID1B: BP4, BP7

Ambry Genetics
Classification: Likely benign for Inborn genetic diseases. Last evaluated: 2017-03-21. Review status: criteria provided, single submitter. Criteria: Ambry Variant Classification Scheme 2023. Collection method: clinical testing. Allele origin: germline.

NM_001374828.1(ARID1B):c.5040G>A (p.Ala1680=)

Gene: ARID1B (AT-rich interaction domain 1B; plus strand). Cytogenetic location: 6q25.3.
Variant type: single nucleotide variant.
Coding change: c.5040G>A on transcript NM_001374828.1 (MANE Select); coding-DNA position 5040, G replaced by A.
Protein change: p.Ala1680=; no amino-acid change (alanine 1680 retained).
Molecular consequence: synonymous variant.
Genome position (GRCh38, 1-based): chr6:157,201,265, G>A. VCF-style: chr6-157201265-G-A. GRCh37 (hg19) VCF-style: chr6-157522399-G-A.
Other names: c.4671G>A, p.Ala1557= (NM_020732.3); c.2541G>A, p.Ala847= (NM_001363725.2); c.4920G>A, p.Ala1640= (NM_001371656.1, NM_001374820.1); c.4881G>A, p.Ala1627= (NM_017519.3).
Identifiers: ClinVar variation 589567 (VCV000589567.29), dbSNP rs374125873, ClinGen allele CA4067753.